The following is an entry in ClinVar:

ClinVar aggregate classification (germline): Uncertain significance (1 of 4 stars; one submission).

Conditions:
Intellectual disability, X-linked, with or without seizures, ARX-related. Also called: MENTAL RETARDATION, X-LINKED 29; MENTAL RETARDATION, X-LINKED 32; MENTAL RETARDATION, X-LINKED 33; MENTAL RETARDATION, X-LINKED 38; MENTAL RETARDATION, X-LINKED 43; MENTAL RETARDATION, X-LINKED 76. Identifiers: Orphanet 777, MedGen C0796244, MONDO:0010317, OMIM 300419.
Developmental and epileptic encephalopathy, 1 (DEE1). Also called: X-linked infantile spasms; West's syndrome; Tonic spasms with clustering, arrest of psychomotor development and hypsarrhythmia on EEG; X-Linked Infantile Spasm Syndrome; INFANTILE SPASM SYNDROME, X-LINKED 1; Epileptic encephalopathy, early infantile, 1. Identifiers: MedGen C3463992, MONDO:0010632, OMIM 308350. Disease mechanism: loss of function.

Allele frequency attached by ClinVar (database versions not stated): gnomAD exomes below 0.00001.
gnomAD v4.1: 1 of 1,178,086 alleles (0.000085%); highest among the groups gnomAD compares: Non-Finnish European, 0.00011%; no homozygotes.

Submission:

Labcorp Genetics (formerly Invitae), Labcorp
Classification: Uncertain significance for Developmental and epileptic encephalopathy, 1; Intellectual disability, X-linked, with or without seizures, ARX-related. Last evaluated: 2021-08-31. Review status: criteria provided, single submitter. Criteria: Invitae Variant Classification Sherloc (09022015). Collection method: clinical testing. Allele origin: germline.
Comment: This sequence change replaces proline with leucine at codon 454 of the ARX protein (p.Pro454Leu). The proline residue is highly conserved and there is a moderate physicochemical difference between proline and leucine. This variant is not present in population databases (ExAC no frequency). This variant has not been reported in the literature in individuals affected with ARX-related conditions. Algorithms developed to predict the effect of missense changes on protein structure and function (SIFT, PolyPhen-2, Align-GVGD) all suggest that this variant is likely to be disruptive. In summary, the available evidence is currently insufficient to determine the role of this variant in disease. Therefore, it has been classified as a Variant of Uncertain Significance.

NM_139058.3(ARX):c.1361C>T (p.Pro454Leu)

Gene: ARX (aristaless related homeobox; minus strand). Cytogenetic location: Xp21.3.
Variant type: single nucleotide variant.
Coding change: c.1361C>T on transcript NM_139058.3 (MANE Select); coding-DNA position 1361, C replaced by T.
Protein change: p.Pro454Leu; replaces proline 454 with leucine.
Molecular consequence: missense variant.
Genome position (GRCh38, 1-based): chrX:25,007,198, G>A on the plus strand (C>T on the coding strand, the complement: ARX is on the minus strand). VCF-style: chrX-25007198-G-A. GRCh37 (hg19) VCF-style: chrX-25025315-G-A.
Other names: short protein forms P454L.
Identifiers: ClinVar variation 1383751 (VCV001383751.5), dbSNP rs2147320384, ClinGen allele CA412611173.